The following is an entry in ClinVar:

NM_138694.4(PKHD1):c.603-2A>G

Gene: PKHD1 (PKHD1 ciliary IPT domain containing fibrocystin/polyductin; minus strand). Cytogenetic location: 6p12.2.
Variant type: single nucleotide variant.
Coding change: c.603-2A>G on transcript NM_138694.4 (MANE Select); the canonical splice acceptor site of the intron before coding-DNA position 603, A replaced by G.
Molecular consequence: splice acceptor variant.
Genome position (GRCh38, 1-based): chr6:52,071,072, T>C on the plus strand (A>G on the coding strand, the complement: PKHD1 is on the minus strand). VCF-style: chr6-52071072-T-C. GRCh37 (hg19) VCF-style: chr6-51935870-T-C.
Other names: c.603-2A>G (NM_170724.3).
Identifiers: ClinVar variation 370164 (VCV000370164.20), dbSNP rs757521428, ClinGen allele CA3853845.

ClinVar aggregate classification (germline): Pathogenic/Likely pathogenic. Review status: criteria provided, multiple submitters, no conflicts (2 of 4 stars). 6 submissions from 6 submitters: Pathogenic (1); Likely pathogenic (4). 1 of the submissions does not count toward it. Last evaluated 2025-04-18.

Conditions:
Polycystic kidney disease 4 (PKD4). Also called: POLYCYSTIC KIDNEY AND HEPATIC DISEASE 1; POLYCYSTIC KIDNEY DISEASE, INFANTILE, TYPE I; POLYCYSTIC KIDNEY DISEASE 4 WITH OR WITHOUT POLYCYSTIC LIVER DISEASE; PKD3; Autosomal Recessive Polycystic Kidney Disease – PKHD1. Identifiers: MedGen C4540575, MONDO:0033004, OMIM 263200.
Autosomal recessive polycystic kidney disease (ARPKD). Also called: AR polycystic kidney disease. Identifiers: Orphanet 731, Orphanet 8378, MedGen C0085548, MeSH D017044, MONDO:0009889.

Allele frequency attached by ClinVar (database versions not stated): ExAC 0.00001; gnomAD exomes 0.00001.
gnomAD v4.1: 13 of 1,591,304 alleles (0.00082%); highest among the groups gnomAD compares: South Asian, 0.012%; no homozygotes.

Submissions (6):

Natera, Inc.
Classification: Pathogenic for Autosomal recessive polycystic kidney disease. Last evaluated: 2025-04-18. Review status: criteria provided, single submitter. Criteria: Natera Variant Classification Schema (03/2026). Collection method: clinical testing. Allele origin: germline.
Comment: The c.603-2A>G variant in PKHD1 is a canonical splice acceptor site variant predicted to affect pre-mRNA splicing, which may result in an abnormal transcript and altered protein product. This variant is expected to result in nonsense mediated decay, truncation, or a dysfunctional protein product. This variant is rare in the general population with a frequency below the threshold expected for the associated phenotype(s). This variant has been observed in one or more individuals affected with the associated recessive disease, as either homozygous or compound heterozygous with a second variant (PMID: 38839463). Given the available evidence, this variant is classified as Pathogenic.

Labcorp Genetics (formerly Invitae), Labcorp
Classification: Likely pathogenic for Autosomal recessive polycystic kidney disease. Last evaluated: 2023-11-20. Review status: criteria provided, single submitter. Criteria: Invitae Variant Classification Sherloc (09022015). Collection method: clinical testing. Allele origin: germline.
Comment: This sequence change affects an acceptor splice site in intron 8 of the PKHD1 gene. It is expected to disrupt RNA splicing. Variants that disrupt the donor or acceptor splice site typically lead to a loss of protein function (PMID: 16199547), and loss-of-function variants in PKHD1 are known to be pathogenic (PMID: 19940839). This variant is present in population databases (rs757521428, gnomAD 0.01%). This variant has not been reported in the literature in individuals affected with PKHD1-related conditions. ClinVar contains an entry for this variant (Variation ID: 370164). Algorithms developed to predict the effect of sequence changes on RNA splicing suggest that this variant may create or strengthen a splice site. In summary, the currently available evidence indicates that the variant is pathogenic, but additional data are needed to prove that conclusively. Therefore, this variant has been classified as Likely Pathogenic.

Baylor Genetics
Classification: Likely pathogenic for Polycystic kidney disease 4. Last evaluated: 2023-11-07. Review status: criteria provided, single submitter. Criteria: ACMG Guidelines, 2015. Collection method: clinical testing. Allele origin: unknown.

Neuberg Centre For Genomic Medicine, NCGM
Classification: Likely pathogenic for Polycystic kidney disease 4. Last evaluated: 2023-05-20. Review status: criteria provided, single submitter. Criteria: ACMG Guidelines, 2015. Collection method: clinical testing. Allele origin: germline. Inheritance: Autosomal recessive inheritance. Affected: yes.
Comment: The splice acceptor c.603-2A>G variant in the PKHD1 gene has not been reported previously as a pathogenic variant nor as a benign variant, to our knowledge. This variant is reported with the allele frequency (0.001%) in the gnomAD Exomes. This sequence change affects an acceptor splice site in intron 8 of the PKHD1 gene. This variant is predicted to cause a loss of normal protein function through protein truncation. Loss of function variants has been previously reported to be disease causing (Michel-Calemard et al., 2009). For these reasons, this variant has been classified as Likely Pathogenic.

Fulgent Genetics
Classification: Likely pathogenic for Polycystic kidney disease 4. Last evaluated: 2018-10-31. Review status: criteria provided, single submitter. Criteria: ACMG Guidelines, 2015. Collection method: clinical testing. Allele origin: unknown.

Counsyl
Classification: Likely pathogenic for Polycystic kidney disease 4. Last evaluated: 2015-12-11. Review status: no assertion criteria provided. Collection method: clinical testing. Allele origin: unknown. Not counted in ClinVar's aggregate classification.

Literature cited by the submitters: PubMed 38839463 (cited by Natera, Inc.); PubMed 16199547 (cited by Labcorp Genetics (formerly Invitae), Labcorp); PubMed 19940839 (cited by Labcorp Genetics (formerly Invitae), Labcorp).